The following is an entry in ClinVar:

NM_004260.4(RECQL4):c.307C>T (p.Pro103Ser)

Gene: RECQL4 (RecQ like helicase 4; minus strand). Cytogenetic location: 8q24.3.
Variant type: single nucleotide variant.
Coding change: c.307C>T on transcript NM_004260.4 (MANE Select); coding-DNA position 307, C replaced by T.
Protein change: p.Pro103Ser; replaces proline 103 with serine.
Molecular consequence: missense variant.
Genome position (GRCh38, 1-based): chr8:144,517,097, G>A on the plus strand (C>T on the coding strand, the complement: RECQL4 is on the minus strand). VCF-style: chr8-144517097-G-A. GRCh37 (hg19) VCF-style: chr8-145742481-G-A.
Other names: c.307C>T (NM_004260.3); short protein forms P103S.
Identifiers: ClinVar variation 135160 (VCV000135160.6), dbSNP rs587778650, ClinGen allele CA161877.

ClinVar aggregate classification (germline): Uncertain significance. Review status: criteria provided, multiple submitters, no conflicts (2 of 4 stars). 3 submissions from 3 submitters: Uncertain significance (2). 1 of the submissions does not count toward it. Last evaluated 2026-02-23.

Conditions:
Inborn genetic diseases. Identifiers: MedGen C0950123, MeSH D030342.
Baller-Gerold syndrome (BGS). Also called: CRANIOSYNOSTOSIS WITH RADIAL DEFECTS. Identifiers: Orphanet 1225, MedGen C0265308, MONDO:0009039, OMIM 218600.

Allele frequency attached by ClinVar (database versions not stated): gnomAD exomes below 0.00001.
gnomAD v4.1: 2 of 1,612,442 alleles (0.00012%); highest among the groups gnomAD compares: East Asian, 0.0022%; no homozygotes.

Submissions (3):

Ambry Genetics
Classification: Uncertain significance for Inborn genetic diseases. Last evaluated: 2026-02-23. Review status: criteria provided, single submitter. Criteria: Ambry Variant Classification Scheme 2023. Collection method: clinical testing. Allele origin: germline.
Comment: The p.P103S variant (also known as c.307C>T), located in coding exon 4 of the RECQL4 gene, results from a C to T substitution at nucleotide position 307. The proline at codon 103 is replaced by serine, an amino acid with similar properties. This amino acid position is conserved. In addition, this alteration is predicted to be tolerated by in silico analysis. Based on the available evidence, the clinical significance of this variant remains unclear.

Labcorp Genetics (formerly Invitae), Labcorp
Classification: Uncertain significance for Baller-Gerold syndrome. Last evaluated: 2022-09-04. Review status: criteria provided, single submitter. Criteria: Invitae Variant Classification Sherloc (09022015). Collection method: clinical testing. Allele origin: germline.
Comment: ClinVar contains an entry for this variant (Variation ID: 135160). This variant has not been reported in the literature in individuals affected with RECQL4-related conditions. The frequency data for this variant in the population databases is considered unreliable, as metrics indicate poor data quality at this position in the gnomAD database. This sequence change replaces proline, which is neutral and non-polar, with serine, which is neutral and polar, at codon 103 of the RECQL4 protein (p.Pro103Ser). Experimental studies and prediction algorithms are not available or were not evaluated, and the functional significance of this variant is currently unknown. In summary, the available evidence is currently insufficient to determine the role of this variant in disease. Therefore, it has been classified as a Variant of Uncertain Significance.

ITMI
No classification provided. Condition: AllHighlyPenetrant. Last evaluated: 2013-09-19. Review status: no classification provided. Collection method: reference population. Allele origin: germline. Not counted in ClinVar's aggregate classification.
Comment: Please see associated publication for description of ethnicities

Literature cited by the submitters: PubMed 24728327 (cited by ITMI).